The following is an entry in ClinVar:

ClinVar aggregate classification (germline): Uncertain significance (1 of 4 stars; one submission).

Submission:

Labcorp Genetics (formerly Invitae), Labcorp
Classification: Uncertain significance. Last evaluated: 2022-03-04. Review status: criteria provided, single submitter. Criteria: Invitae Variant Classification Sherloc (09022015). Collection method: clinical testing. Allele origin: germline.
Comment: This sequence change falls in intron 9 of the NDUFS2 gene. It does not directly change the encoded amino acid sequence of the NDUFS2 protein. It affects a nucleotide within the consensus splice site. This variant is not present in population databases (gnomAD no frequency). This variant has not been reported in the literature in individuals affected with NDUFS2-related conditions. Variants that disrupt the consensus splice site are a relatively common cause of aberrant splicing (PMID: 17576681, 9536098). Algorithms developed to predict the effect of sequence changes on RNA splicing suggest that this variant may disrupt the consensus splice site. In summary, the available evidence is currently insufficient to determine the role of this variant in disease. Therefore, it has been classified as a Variant of Uncertain Significance.

Literature cited by the submitters: PubMed 17576681; PubMed 9536098.

NM_001377299.1(NDUFS2):c.867-3C>G

Gene: NDUFS2 (NADH:ubiquinone oxidoreductase core subunit S2; plus strand). Cytogenetic location: 1q23.3.
Variant type: single nucleotide variant.
Coding change: c.867-3C>G on transcript NM_001377299.1 (MANE Select); 3 bases into the intron before coding-DNA position 867, C replaced by G.
Molecular consequence: intron variant.
Genome position (GRCh38, 1-based): chr1:161,210,588, C>G. VCF-style: chr1-161210588-C-G. GRCh37 (hg19) VCF-style: chr1-161180378-C-G.
Other names: c.867-3C>G (NM_001377300.1, NM_001377298.1, NM_001377301.1 and 3 more transcripts).
Identifiers: ClinVar variation 2097872 (VCV002097872.4), dbSNP rs779118848, ClinGen allele CA890187873.